The following is an entry in ClinVar:

NM_003119.4(SPG7):c.9GCT[8] (p.Leu8_Arg9insLeuLeuLeu)

Genes: SPG7 (SPG7 matrix AAA peptidase subunit, paraplegin; plus strand), LOC130059818 (ATAC-STARR-seq lymphoblastoid silent region 7911; plus strand). Cytogenetic location: 16q24.3.
Variant type: Microsatellite.
Coding change: c.9GCT[8] on transcript NM_003119.4 (MANE Select); eight copies in a row of the 3-base unit GCT starting at c.9; the reference has five copies in a row; three copies, 9 bases duplicated.
Protein change: p.Leu8_Arg9insLeuLeuLeu.
Molecular consequence: inframe insertion.
Genome position (GRCh38, 1-based): chr16:89,508,432-89,508,440, GCTGCTGCT duplicated; duplicating any 9 consecutive bases within chr16:89,508,425-89,508,440 gives the same sequence; the position shown is the placement nearest the transcript's 3' end. VCF-style (leftmost placement, unchanged base first): chr16-89508424-G-GTGCTGCTGC. GRCh37 (hg19) VCF-style: chr16-89574832-G-GTGCTGCTGC.
Other names: c.9GCT[8], p.Leu8_Arg9insLeuLeuLeu (NM_001363850.1, NM_199367.3).
Identifiers: ClinVar variation 2972495 (VCV002972495.3), dbSNP rs781285980, ClinGen allele CA2634964553.

ClinVar aggregate classification (germline): Uncertain significance (1 of 4 stars; one submission).

Conditions:
Hereditary spastic paraplegia 7 (SPG7). Also called: SPG7-related neurologic disorder; Autosomal recessive spastic paraplegia type 7; Spastic paraplegia 7; Hereditary spastic paraplegia Paraplegin type; SPASTIC PARAPLEGIA 7, AUTOSOMAL RECESSIVE, WITH OR WITHOUT CEREBELLAR ATAXIA. Identifiers: Orphanet 99013, MedGen C1846564, MONDO:0011803, OMIM 607259.

Submission:

Labcorp Genetics (formerly Invitae), Labcorp
Classification: Uncertain significance for Hereditary spastic paraplegia 7. Last evaluated: 2023-06-28. Review status: criteria provided, single submitter. Criteria: Invitae Variant Classification Sherloc (09022015). Collection method: clinical testing. Allele origin: germline.
Comment: This variant, c.15_23dup, results in the insertion of 3 amino acid(s) of the SPG7 protein (p.Leu6_Leu8dup), but otherwise preserves the integrity of the reading frame. This variant is not present in population databases (gnomAD no frequency). This variant has not been reported in the literature in individuals affected with SPG7-related conditions. In summary, the available evidence is currently insufficient to determine the role of this variant in disease. Therefore, it has been classified as a Variant of Uncertain Significance.